The following is an entry in ClinVar:

NM_014314.4(RIGI):c.2102A>C (p.Asp701Ala)

Gene: RIGI (RNA sensor RIG-I; minus strand). Cytogenetic location: 9p21.1.
Variant type: single nucleotide variant.
Coding change: c.2102A>C on transcript NM_014314.4 (MANE Select); coding-DNA position 2102, A replaced by C.
Protein change: p.Asp701Ala; replaces aspartic acid 701 with alanine.
Molecular consequence: missense variant. On other transcripts: intron variant (1).
Genome position (GRCh38, 1-based): chr9:32,467,845, T>G on the plus strand (A>C on the coding strand, the complement: RIGI is on the minus strand). VCF-style: chr9-32467845-T-G. GRCh37 (hg19) VCF-style: chr9-32467843-T-G.
Other names: c.2102A>C (NM_014314.3); c.2096A>C, p.Asp699Ala (NM_001385907.1); c.1661A>C, p.Asp554Ala (NM_001385910.1); c.1493A>C, p.Asp498Ala (NM_001385912.1); c.2087A>C, p.Asp696Ala (NM_001385913.1); c.1658A>C, p.Asp553Ala (NM_001385914.1); c.2015-1404A>C (NM_001385909.1); short protein forms D554A, D701A, D699A, D498A, D696A, D553A.
Identifiers: ClinVar variation 1372328 (VCV001372328.7), dbSNP rs376791494, ClinGen allele CA5019586.

ClinVar aggregate classification (germline): Uncertain significance. Review status: criteria provided, multiple submitters, no conflicts (2 of 4 stars). 2 submissions from 2 submitters: Uncertain significance (2). Last evaluated 2025-08-20.

Conditions:
Inborn genetic diseases. Identifiers: MedGen C0950123, MeSH D030342.

gnomAD v4.1: 21 of 1,613,724 alleles (0.0013%); highest among the groups gnomAD compares: South Asian, 0.013%; no homozygotes.

Submissions (2):

Labcorp Genetics (formerly Invitae), Labcorp
Classification: Uncertain significance. Last evaluated: 2025-08-20. Review status: criteria provided, single submitter. Criteria: Invitae Variant Classification Sherloc (09022015). Collection method: clinical testing. Allele origin: germline.
Comment: This sequence change replaces aspartic acid, which is acidic and polar, with alanine, which is neutral and non-polar, at codon 701 of the DDX58 protein (p.Asp701Ala). This variant is present in population databases (rs376791494, gnomAD 0.02%). This variant has not been reported in the literature in individuals affected with DDX58-related conditions. ClinVar contains an entry for this variant (Variation ID: 1372328). Invitae Evidence Modeling of protein sequence and biophysical properties (such as structural, functional, and spatial information, amino acid conservation, physicochemical variation, residue mobility, and thermodynamic stability) indicates that this missense variant is expected to disrupt DDX58 protein function with a positive predictive value of 80%. In summary, the available evidence is currently insufficient to determine the role of this variant in disease. Therefore, it has been classified as a Variant of Uncertain Significance.

Ambry Genetics
Classification: Uncertain significance for Inborn genetic diseases. Last evaluated: 2025-06-07. Review status: criteria provided, single submitter. Criteria: Ambry Variant Classification Scheme 2023. Collection method: clinical testing. Allele origin: germline.